The following is an entry in ClinVar:

ClinVar aggregate classification (germline): Uncertain significance (1 of 4 stars; one submission).

Conditions:
Capillary malformation-arteriovenous malformation syndrome. Also called: Capillary malformation-arteriovenous malformation. Identifiers: Orphanet 137667, MedGen C1842180, MONDO:0012016.

gnomAD v4.1: 2 of 1,613,928 alleles (0.00012%); highest among the groups gnomAD compares: Non-Finnish European, 0.00017%; no homozygotes.

Submission:

Labcorp Genetics (formerly Invitae), Labcorp
Classification: Uncertain significance for Capillary malformation-arteriovenous malformation syndrome. Last evaluated: 2025-06-29. Review status: criteria provided, single submitter. Criteria: Invitae Variant Classification Sherloc (09022015). Collection method: clinical testing. Allele origin: germline.
Comment: This sequence change replaces leucine, which is neutral and non-polar, with valine, which is neutral and non-polar, at codon 146 of the RASA1 protein (p.Leu146Val). This variant is not present in population databases (gnomAD no frequency). This variant has not been reported in the literature in individuals affected with RASA1-related conditions. An algorithm developed to predict the effect of missense changes on protein structure and function (PolyPhen-2) suggests that this variant is likely to be tolerated. In summary, the available evidence is currently insufficient to determine the role of this variant in disease. Therefore, it has been classified as a Variant of Uncertain Significance.

NM_002890.3(RASA1):c.436T>G (p.Leu146Val)

Gene: RASA1 (RAS p21 protein activator 1; plus strand). Cytogenetic location: 5q14.3.
Variant type: single nucleotide variant.
Coding change: c.436T>G on transcript NM_002890.3 (MANE Select); coding-DNA position 436, T replaced by G.
Protein change: p.Leu146Val; replaces leucine 146 with valine.
Molecular consequence: missense variant.
Genome position (GRCh38, 1-based): chr5:87,268,887, T>G. VCF-style: chr5-87268887-T-G. GRCh37 (hg19) VCF-style: chr5-86564704-T-G.
Other names: short protein forms L146V.
Identifiers: ClinVar variation 4753282 (VCV004753282.1).